The following is an entry in ClinVar:

NM_152383.5(DIS3L2):c.2424G>A (p.Gln808=)

Gene: DIS3L2 (DIS3 like 3'-5' exoribonuclease 2; plus strand). Cytogenetic location: 2q37.1.
Variant type: single nucleotide variant.
Coding change: c.2424G>A on transcript NM_152383.5 (MANE Select); coding-DNA position 2424, G replaced by A.
Protein change: p.Gln808=; no amino-acid change (glutamine 808 retained).
Molecular consequence: synonymous variant. On other transcripts: non-coding transcript variant (2), intron variant (1).
Genome position (GRCh38, 1-based): chr2:232,335,802, G>A. VCF-style: chr2-232335802-G-A. GRCh37 (hg19) VCF-style: chr2-233200512-G-A.
Other names: p.Gln808=; c.1582-7543G>A (NM_001257281.2).
Identifiers: ClinVar variation 334947 (VCV000334947.40), dbSNP rs369113667, ClinGen allele CA2164548.

ClinVar aggregate classification (germline): Conflicting classifications of pathogenicity. Review status: criteria provided, conflicting classifications (1 of 4 stars). 4 submissions from 4 submitters: Uncertain significance (1); Likely benign (3). Last evaluated 2026-01-08.

Conditions:
Perlman syndrome (PRLMNS). Identifiers: Orphanet 2849, MedGen C0796113, MONDO:0009965, OMIM 267000.

Allele frequency attached by ClinVar (database versions not stated): ExAC 0.00005; gnomAD exomes 0.00008 and 0.00021; TOPMed 0.00013; 1000 Genomes Project 30x 0.00016; gnomAD 0.00016; 1000 Genomes Project 0.00020; ESP Exome Variant Server 0.00026.
gnomAD v4.1: 310 of 1,550,732 alleles (0.02%); highest among the groups gnomAD compares: Non-Finnish European, 0.026%; no homozygotes.

Submissions (4):

Labcorp Genetics (formerly Invitae), Labcorp
Classification: Likely benign for Perlman syndrome. Last evaluated: 2026-01-08. Review status: criteria provided, single submitter. Criteria: Invitae Variant Classification Sherloc (09022015). Collection method: clinical testing. Allele origin: germline.

Mayo Clinic Laboratories, Mayo Clinic
Classification: Likely benign. Last evaluated: 2025-04-01. Review status: criteria provided, single submitter. Criteria: ACMG Guidelines, 2015. Collection method: clinical testing. Allele origin: germline. Observed: 1 variant allele.
Comment: BS1, BP4, BP7

CeGaT Center for Human Genetics Tuebingen
Classification: Likely benign. Last evaluated: 2023-06-01. Review status: criteria provided, single submitter. Criteria: CeGaT Center For Human Genetics Tuebingen Variant Classification Criteria Version 2. Collection method: clinical testing. Allele origin: germline. Affected: yes. Observed: 2 variant alleles.
Comment: DIS3L2: BP4, BP7

Illumina Laboratory Services, Illumina
Classification: Uncertain significance for Perlman syndrome. Last evaluated: 2018-01-13. Review status: criteria provided, single submitter. Criteria: ICSL Variant Classification Criteria 13 December 2019. Collection method: clinical testing. Allele origin: germline.